The following is an entry in ClinVar:

NM_000090.4(COL3A1):c.1149+5G>A

Gene: COL3A1 (collagen type III alpha 1 chain; plus strand). Cytogenetic location: 2q32.2.
Variant type: single nucleotide variant.
Coding change: c.1149+5G>A on transcript NM_000090.4 (MANE Select); 5 bases into the intron after coding-DNA position 1149, G replaced by A.
Molecular consequence: intron variant.
Genome position (GRCh38, 1-based): chr2:188,993,464, G>A. VCF-style: chr2-188993464-G-A. GRCh37 (hg19) VCF-style: chr2-189858190-G-A.
Identifiers: ClinVar variation 101241 (VCV000101241.15), dbSNP rs587779538, ClinGen allele CA004089.

ClinVar aggregate classification (germline): Conflicting classifications of pathogenicity. Review status: criteria provided, conflicting classifications (1 of 4 stars). 4 submissions from 4 submitters: Pathogenic (1); Likely pathogenic (1); Uncertain significance (1). 1 of the submissions does not count toward it. Last evaluated 2025-02-03.

Conditions:
COL3A1-related disorder. Also called: COL3A1-related condition.
Familial thoracic aortic aneurysm and aortic dissection (TAAD). Also called: Thoracic aortic aneurysms and dissections. Identifiers: Orphanet 91387, MedGen C4707243, MONDO:0019625.
Ehlers-Danlos syndrome, type 4 (EDSVASC). Also called: Ehlers-Danlos syndrome vascular type; Ehlers Danlos syndrome, ecchymotic type; Ehlers Danlos syndrome, arterial type; Ehlers Danlos syndrome, Sack-Barabas type; Ehlers-Danlos Syndrome Type IV. Identifiers: Orphanet 286, MedGen C0268338, MONDO:0017314, OMIM 130050.

Submissions (4):

Ambry Genetics
Classification: Pathogenic for Familial thoracic aortic aneurysm and aortic dissection. Last evaluated: 2025-02-03. Review status: criteria provided, single submitter. Criteria: Ambry Variant Classification Scheme 2023. Collection method: clinical testing. Allele origin: germline.
Comment: The c.1149+5G>A intronic alteration results from a G to A substitution 5 nucleotides after coding exon 16 of the COL3A1 gene. This variant was not reported in population-based cohorts in the Genome Aggregation Database (gnomAD). This alteration has been previously reported in a vascular Ehlers-Danlos syndrome (vEDS, also known as type IV) cohort, but clinical details were limited (Pepin, 2014). Two disease-causing variants affecting the same donor splice site (c.1149+1G>A and c.1149+2T>G) also cause skipping of coding exon 16 (referred to as exon 17 in legacy nomenclature) (Chiodo, 1995; Schwarze, 1997). This nucleotide position is highly conserved in available vertebrate species. RNA studies on cultured fibroblasts derived from a patient heterozygous for this variant have demonstrated that this alteration leads to exon skipping (personal communication, P. Byers). In silico splice site analysis predicts that this alteration will weaken the native splice donor site and may result in the creation or strengthening of a novel splice donor site. Based on the available evidence, this alteration is classified as pathogenic.

Blueprint Genetics
Classification: Likely pathogenic for COL3A1-related disorders. Last evaluated: 2024-10-07. Review status: criteria provided, single submitter. Criteria: ACMG Guidelines, 2015. Collection method: clinical testing. Allele origin: germline. Affected: yes. Observed: 1 variant allele.

Labcorp Genetics (formerly Invitae), Labcorp
Classification: Uncertain significance for Ehlers-Danlos syndrome, type 4. Last evaluated: 2022-08-10. Review status: criteria provided, single submitter. Criteria: Invitae Variant Classification Sherloc (09022015). Collection method: clinical testing. Allele origin: germline.
Comment: ClinVar contains an entry for this variant (Variation ID: 101241). This variant has been observed in individual(s) with clinical features of vascular Ehlers-Danlos syndrome (PMID: 24922459). This variant is not present in population databases (gnomAD no frequency). This sequence change falls in intron 16 of the COL3A1 gene. It does not directly change the encoded amino acid sequence of the COL3A1 protein. It affects a nucleotide within the consensus splice site. Variants that disrupt the consensus splice site are a relatively common cause of aberrant splicing (PMID: 17576681, 9536098). Algorithms developed to predict the effect of sequence changes on RNA splicing suggest that this variant may disrupt the consensus splice site. In summary, the available evidence is currently insufficient to determine the role of this variant in disease. Therefore, it has been classified as a Variant of Uncertain Significance.

Collagen Diagnostic Laboratory, University of Washington
Classification: Pathogenic for Ehlers-Danlos syndrome, type 4. Review status: no assertion criteria provided. Collection method: clinical testing. Allele origin: germline. Affected: yes. Not counted in ClinVar's aggregate classification.

Literature cited by the submitters: PubMed 7487954 (cited by Ambry Genetics); PubMed 9399899 (cited by Ambry Genetics); PubMed 24922459 (cited by Ambry Genetics and Labcorp Genetics (formerly Invitae), Labcorp); PubMed 17576681 (cited by Labcorp Genetics (formerly Invitae), Labcorp); PubMed 9536098 (cited by Labcorp Genetics (formerly Invitae), Labcorp).